The following is an entry in ClinVar:

NM_001164496.2(CFAP44):c.5123G>A (p.Arg1708His)

Genes: CFAP44 (cilia and flagella associated protein 44; minus strand), SPICE1-CFAP44 (SPICE1-CFAP44 readthrough (NMD candidate); minus strand). Cytogenetic location: 3q13.2.
Variant type: single nucleotide variant.
Coding change: c.5123G>A on transcript NM_001164496.2 (MANE Select); coding-DNA position 5123, G replaced by A.
Protein change: p.Arg1708His; replaces arginine 1708 with histidine.
Molecular consequence: missense variant. On other transcripts: non-coding transcript variant (6).
Genome position (GRCh38, 1-based): chr3:113,296,840, C>T on the plus strand (G>A on the coding strand, the complement: CFAP44 is on the minus strand). VCF-style: chr3-113296840-C-T. GRCh37 (hg19) VCF-style: chr3-113015687-C-T.
Other names: short protein forms R1708H.
Identifiers: ClinVar variation 2350026 (VCV002350026.24), dbSNP rs201886712, ClinGen allele CA81511623.
Genomic context (GRCh38, chr3:113,296,840, plus strand): 5'-TTCAGTTCTTCAAGTGTTGTATTAACAGAAAGCGTTTGAAGGGCTTCTAGATTTACCACA[C>T]GGCCAAACTTGCTGATCATGAGCTGCCGGACTGTTTCCTCCATTTCTAAAAGAAGACAGT-3'
Protein context (NP_001157968.1, residues 1698-1718): VRQLMISKFG[Arg1708His]VVNLEALQTL

ClinVar aggregate classification (germline): Uncertain significance. Review status: criteria provided, multiple submitters, no conflicts (2 of 4 stars). 2 submissions from 2 submitters: Uncertain significance (2). Last evaluated 2023-07-01.

Conditions:
Inborn genetic diseases. Identifiers: MedGen C0950123, MeSH D030342.

Allele frequency attached by ClinVar (database versions not stated): gnomAD 0.00001; TOPMed 0.00002; ESP Exome Variant Server 0.00022.
gnomAD v4.1: 96 of 1,537,260 alleles (0.0062%); highest among the groups gnomAD compares: East Asian, 0.0098%; no homozygotes.

Submissions (2):

CeGaT Center for Human Genetics Tuebingen
Classification: Uncertain significance. Last evaluated: 2023-07-01. Review status: criteria provided, single submitter. Criteria: CeGaT Center For Human Genetics Tuebingen Variant Classification Criteria Version 2. Collection method: clinical testing. Allele origin: germline. Affected: yes. Observed: 1 variant allele.
Comment: CFAP44: PM2, BP4

Ambry Genetics
Classification: Uncertain significance for Inborn genetic diseases. Last evaluated: 2021-07-21. Review status: criteria provided, single submitter. Criteria: Ambry Variant Classification Scheme 2023. Collection method: clinical testing. Allele origin: germline.